The following is an entry in ClinVar:

ClinVar aggregate classification (germline): Likely benign. Review status: criteria provided, multiple submitters, no conflicts (2 of 4 stars). 2 submissions from 2 submitters: Likely benign (2). Last evaluated 2025-04-19.

Allele frequency attached by ClinVar (database versions not stated): gnomAD exomes below 0.00001 and 0.00001; gnomAD 0.00001; TOPMed 0.00002.
gnomAD v4.1: 17 of 1,612,256 alleles (0.0011%); highest among the groups gnomAD compares: Non-Finnish European, 0.0012%; no homozygotes.

Submissions (2):

Labcorp Genetics (formerly Invitae), Labcorp
Classification: Likely benign. Last evaluated: 2025-04-19. Review status: criteria provided, single submitter. Criteria: Invitae Variant Classification Sherloc (09022015). Collection method: clinical testing. Allele origin: germline.

GeneDx
Classification: Likely benign. Last evaluated: 2018-05-14. Review status: criteria provided, single submitter. Criteria: GeneDx Variant Classification (06012015). Collection method: clinical testing. Allele origin: germline. Affected: yes.
Comment: This variant is considered likely benign or benign based on one or more of the following criteria: it is a conservative change, it occurs at a poorly conserved position in the protein, it is predicted to be benign by multiple in silico algorithms, and/or has population frequency not consistent with disease.

NM_014317.5(PDSS1):c.468-19A>G

Gene: PDSS1 (decaprenyl diphosphate synthase subunit 1; plus strand). Cytogenetic location: 10p12.1.
Variant type: single nucleotide variant.
Coding change: c.468-19A>G on transcript NM_014317.5 (MANE Select); 19 bases into the intron before coding-DNA position 468, A replaced by G.
Molecular consequence: intron variant. On other transcripts: 5 prime UTR variant (1).
Genome position (GRCh38, 1-based): chr10:26,720,199, A>G. VCF-style: chr10-26720199-A-G. GRCh37 (hg19) VCF-style: chr10-27009128-A-G.
Other names: c.-62A>G (NM_001321979.2); c.468-19A>G (NM_001321978.2).
Identifiers: ClinVar variation 682388 (VCV000682388.5), dbSNP rs1044251533, ClinGen allele CA204403378.